The following is an entry in ClinVar:

NM_001184.4(ATR):c.6221+3G>A

Genes: ATR (ATR checkpoint kinase; minus strand), LOC126806830 (BRD4-independent group 4 enhancer GRCh37_chr3:142203676-142204875; plus strand). Cytogenetic location: 3q23.
Variant type: single nucleotide variant.
Coding change: c.6221+3G>A on transcript NM_001184.4 (MANE Select); 3 bases into the intron after coding-DNA position 6221, G replaced by A.
Molecular consequence: intron variant.
Genome position (GRCh38, 1-based): chr3:142,485,137, C>T on the plus strand (G>A on the coding strand, the complement: ATR is on the minus strand). VCF-style: chr3-142485137-C-T. GRCh37 (hg19) VCF-style: chr3-142203979-C-T.
Other names: c.6029+3G>A (NM_001354579.2).
Identifiers: ClinVar variation 343592 (VCV000343592.27), dbSNP rs200980335, ClinGen allele CA2649394.

ClinVar aggregate classification (germline): Conflicting classifications of pathogenicity. Review status: criteria provided, conflicting classifications (1 of 4 stars). 5 submissions from 5 submitters: Uncertain significance (1); Likely benign (3). 1 of the submissions does not count toward it. Last evaluated 2026-01-19.

Conditions:
ATR-related disorder. Also called: ATR-related condition.
Seckel syndrome 1 (SCKL1). Also called: MICROCEPHALIC PRIMORDIAL DWARFISM I. Identifiers: Orphanet 808, MedGen C4551474, MONDO:0008869, OMIM 210600.

Allele frequency attached by ClinVar (database versions not stated): ExAC 0.00027; gnomAD exomes 0.00030 and 0.00034; gnomAD 0.00034 and 0.00035; TOPMed 0.00037; ESP Exome Variant Server 0.00046.
gnomAD v4.1: 553 of 1,613,996 alleles (0.034%); highest among the groups gnomAD compares: Middle Eastern, 0.099%; 1 homozygote.

Submissions (5):

Labcorp Genetics (formerly Invitae), Labcorp
Classification: Likely benign. Last evaluated: 2026-01-19. Review status: criteria provided, single submitter. Criteria: Invitae Variant Classification Sherloc (09022015). Collection method: clinical testing. Allele origin: germline.

CeGaT Center for Human Genetics Tuebingen
Classification: Likely benign. Last evaluated: 2025-08-01. Review status: criteria provided, single submitter. Criteria: CeGaT Center For Human Genetics Tuebingen Variant Classification Criteria Version 2. Collection method: clinical testing. Allele origin: germline. Affected: yes. Observed: 2 variant alleles.
Comment: ATR: BP4, BS1

Blueprint Genetics
Classification: Likely benign. Last evaluated: 2024-11-22. Review status: criteria provided, single submitter. Criteria: ACMG Guidelines, 2015. Collection method: clinical testing. Allele origin: germline.

Illumina Laboratory Services, Illumina
Classification: Uncertain significance for Seckel syndrome 1. Last evaluated: 2018-01-13. Review status: criteria provided, single submitter. Criteria: ICSL Variant Classification Criteria 13 December 2019. Collection method: clinical testing. Allele origin: germline.

PreventionGenetics, part of Exact Sciences
Classification: Likely benign for ATR-related condition. Last evaluated: 2022-05-02. Review status: no assertion criteria provided. Collection method: clinical testing. Allele origin: germline. Not counted in ClinVar's aggregate classification.
Comment: This variant is classified as likely benign based on ACMG/AMP sequence variant interpretation guidelines (Richards et al. 2015 PMID: 25741868, with internal and published modifications).